The following is an entry in ClinVar:

NM_007294.4(BRCA1):c.3629dup (p.Ser1211fs)

Genes: BRCA1 (BRCA1 DNA repair associated; minus strand), LOC126862571 (BRD4-independent group 4 enhancer GRCh37_chr17:41243136-41244335; plus strand). Cytogenetic location: 17q21.31.
Variant type: Duplication.
Coding change: c.3629dup on transcript NM_007294.4 (MANE Select); coding-DNA position 3629, one base duplicated (A; older notation c.3629dupA).
Protein change: p.Ser1211fs; shifts the reading frame from serine 1211.
Molecular consequence: frameshift variant. On other transcripts: intron variant (135).
Genome position (GRCh38, 1-based): chr17:43,091,902, T duplicated on the plus strand (A on the coding strand, the reverse complement: BRCA1 is on the minus strand). VCF-style (leftmost placement, unchanged base first): chr17-43091901-C-CT. GRCh37 (hg19) VCF-style: chr17-41243918-C-CT.
Other names: 3748insA-ter1218; c.3629dupA (NM_007294.3); c.3365dup, p.Ser1123fs (NM_001407929.1, NM_001407933.1, NM_001407935.1 and 9 more transcripts); c.3362dup, p.Ser1122fs (NM_001407930.1, NM_001407931.1, NM_001407932.1 and 2 more transcripts); c.3506dup, p.Ser1170fs (NM_001407937.1, NM_001407938.1, NM_001407939.1 and 19 more transcripts); c.3503dup, p.Ser1169fs (NM_001407940.1, NM_001407941.1, NM_001407649.1 and 11 more transcripts); c.3488dup, p.Ser1164fs (NM_001407942.1, NM_001407944.1, NM_001407945.1 and 29 more transcripts); c.3485dup, p.Ser1163fs (NM_001407943.1, NM_001407964.1, NM_001407740.1 and 20 more transcripts); and 43 more; short protein forms S1164fs, S1211fs, S1084fs, S1141fs, S1170fs, S343fs, S1043fs, S1083fs.
Identifiers: ClinVar variation 225306 (VCV000225306.7), dbSNP rs886040154, ClinGen allele CA10576019.
Genomic context (GRCh38, chr17:43,091,901, plus strand): 5'-TAACAAGTGTTGGAAGCAGGGAAGCTCTTCATCCTCACTAGATAAGTTCTCTTCTGAGGA[C>CT]TCTAATTTCTTGGCCCCTCTTCGGTAACCCTGAGCCAAATGTGTATGGGTGAAAGGGCTA-3'

ClinVar aggregate classification (germline): Pathogenic. Review status: reviewed by expert panel (3 of 4 stars). 4 submissions from 4 submitters: Pathogenic (1). 3 of the submissions do not count toward it. Last evaluated 2016-10-18.

Conditions:
Hereditary breast ovarian cancer syndrome. Also called: Breast and ovarian cancer; Hereditary breast and ovarian cancer; Hereditary breast and ovarian cancer syndrome; Hereditary breast and/or ovarian cancer syndrome; BRCA1- and BRCA2-Associated Hereditary Breast and Ovarian Cancer; Hereditary breast and ovarian cancer syndrome (HBOC). Identifiers: Orphanet 145, MedGen C0677776, MeSH D061325, MONDO:0003582. Disease mechanism: loss of function.
Breast-ovarian cancer, familial, susceptibility to, 1 (BROVCA1). Also called: BRCA1 Hereditary Breast and Ovarian Cancer; OVARIAN CANCER, SUSCEPTIBILITY TO. Identifiers: Orphanet 145, MedGen C2676676, MONDO:0011450, OMIM 604370. Disease mechanism: loss of function.

Submissions (4):

Evidence-based Network for the Interpretation of Germline Mutant Alleles (ENIGMA)
Classification: Pathogenic for Breast-ovarian cancer, familial, susceptibility to, 1. Last evaluated: 2016-10-18. Review status: reviewed by expert panel. Criteria: ENIGMA BRCA1/2 Classification Criteria (2015). Collection method: curation. Allele origin: germline.
Comment: Variant allele predicted to encode a truncated non-functional protein.

Soonchunhyang University Bucheon Hospital, Soonchunhyang University Medical Center
Classification: Likely pathogenic for Breast-ovarian cancer, familial, susceptibility to, 1. Last evaluated: 2016-03-18. Review status: criteria provided, single submitter. Criteria: ACMG Guidelines, 2015. Collection method: reference population. Allele origin: germline. Observed: 1 variant allele. Not counted in ClinVar's aggregate classification.

Consortium of Investigators of Modifiers of BRCA1/2 (CIMBA), c/o University of Cambridge
Classification: Pathogenic for Breast-ovarian cancer, familial, susceptibility to, 1. Last evaluated: 2015-10-02. Review status: criteria provided, single submitter. Criteria: CIMBA Mutation Classification guidelines May 2016. Collection method: clinical testing. Allele origin: germline. Not counted in ClinVar's aggregate classification.

Research Molecular Genetics Laboratory, Women's College Hospital, University of Toronto
Classification: Pathogenic for Hereditary breast ovarian cancer syndrome. Last evaluated: 2014-01-31. Review status: no assertion criteria provided. Collection method: research. Allele origin: germline. Affected: yes. Study: The Canadian Open Genetics Repository (COGR). Not counted in ClinVar's aggregate classification.

Literature cited by the submitters: PubMed 21990134 (cited by Soonchunhyang University Bucheon Hospital, Soonchunhyang University Medical Center).